The following is an entry in ClinVar:

ClinVar aggregate classification (germline): Uncertain significance (1 of 4 stars; one submission).

Allele frequency attached by ClinVar (database versions not stated): gnomAD exomes below 0.00001; ExAC 0.00001.
gnomAD v4.1: 4 of 1,614,192 alleles (0.00025%); highest among the groups gnomAD compares: Non-Finnish European, 0.00034%; no homozygotes.

Submission:

Labcorp Genetics (formerly Invitae), Labcorp
Classification: Uncertain significance. Last evaluated: 2022-10-10. Review status: criteria provided, single submitter. Criteria: Invitae Variant Classification Sherloc (09022015). Collection method: clinical testing. Allele origin: germline.
Comment: In summary, the available evidence is currently insufficient to determine the role of this variant in disease. Therefore, it has been classified as a Variant of Uncertain Significance. Algorithms developed to predict the effect of missense changes on protein structure and function (SIFT, PolyPhen-2, Align-GVGD) all suggest that this variant is likely to be tolerated. ClinVar contains an entry for this variant (Variation ID: 1377134). This variant has not been reported in the literature in individuals affected with TNFAIP3-related conditions. This variant is present in population databases (rs774006529, gnomAD 0.0009%). This sequence change replaces serine, which is neutral and polar, with cysteine, which is neutral and slightly polar, at codon 645 of the TNFAIP3 protein (p.Ser645Cys).

NM_001270508.2(TNFAIP3):c.1933A>T (p.Ser645Cys)

Gene: TNFAIP3 (TNF alpha induced protein 3; plus strand). Cytogenetic location: 6q23.3.
Variant type: single nucleotide variant.
Coding change: c.1933A>T on transcript NM_001270508.2 (MANE Select); coding-DNA position 1933, A replaced by T.
Protein change: p.Ser645Cys; replaces serine 645 with cysteine.
Molecular consequence: missense variant.
Genome position (GRCh38, 1-based): chr6:137,880,097, A>T. VCF-style: chr6-137880097-A-T. GRCh37 (hg19) VCF-style: chr6-138201234-A-T.
Other names: c.1933A>T, p.Ser645Cys (NM_001270507.2, NM_006290.4); short protein forms S645C.
Identifiers: ClinVar variation 1377134 (VCV001377134.6), dbSNP rs774006529, ClinGen allele CA4019756.